The following is an entry in ClinVar:

ClinVar aggregate classification (germline): Pathogenic (1 of 4 stars; one submission).

Conditions:
Sandhoff disease. Also called: GM2-GANGLIOSIDOSIS, TYPE II; HEXOSAMINIDASES A AND B DEFICIENCY; Beta-hexosaminidase-beta-subunit deficiency; GM2 gangliosidosis, type 2; Total hexosaminidase deficiency; Sandhoff-Jatzkewitz-Pilz disease. Identifiers: Orphanet 796, MedGen C0036161, MONDO:0010006, OMIM 268800.

Submission:

Labcorp Genetics (formerly Invitae), Labcorp
Classification: Pathogenic for Sandhoff disease. Last evaluated: 2020-12-25. Review status: criteria provided, single submitter. Criteria: Invitae Variant Classification Sherloc (09022015). Collection method: clinical testing. Allele origin: germline.
Comment: For these reasons, this variant has been classified as Pathogenic. This variant has not been reported in the literature in individuals with HEXB-related conditions. This variant is not present in population databases (ExAC no frequency). This sequence change creates a premature translational stop signal (p.Phe244Serfs*11) in the HEXB gene. It is expected to result in an absent or disrupted protein product. Loss-of-function variants in HEXB are known to be pathogenic (PMID: 7550345, 18758829).

Literature cited by the submitters: PubMed 7550345; PubMed 18758829.

NM_000521.4(HEXB):c.731del (p.Phe244fs)

Gene: HEXB (hexosaminidase subunit beta; plus strand). Cytogenetic location: 5q13.3.
Variant type: Deletion.
Coding change: c.731del on transcript NM_000521.4 (MANE Select); coding-DNA position 731, one base deleted (T; older notation c.731delT).
Protein change: p.Phe244fs; shifts the reading frame from phenylalanine 244.
Molecular consequence: frameshift variant.
Genome position (GRCh38, 1-based): chr5:74,705,280, T deleted; the last of 3 consecutive T bases (chr5:74,705,278-74,705,280); deleting any one gives the same sequence. VCF-style (leftmost placement, unchanged base first): chr5-74705277-CT-C. GRCh37 (hg19) VCF-style: chr5-74001102-CT-C.
Other names: c.56del, p.Phe19fs (NM_001292004.2); short protein forms F244fs, F19fs.
Identifiers: ClinVar variation 1442270 (VCV001442270.6), dbSNP rs2112156393, ClinGen allele CA2573139787.